The following is an entry in ClinVar:

NM_001080517.3(SETD5):c.719G>A (p.Ser240Asn)

Gene: SETD5 (SET domain containing 5; plus strand). Cytogenetic location: 3p25.3.
Variant type: single nucleotide variant.
Coding change: c.719G>A on transcript NM_001080517.3 (MANE Select); coding-DNA position 719, G replaced by A.
Protein change: p.Ser240Asn; replaces serine 240 with asparagine.
Molecular consequence: missense variant.
Genome position (GRCh38, 1-based): chr3:9,440,607, G>A. VCF-style: chr3-9440607-G-A. GRCh37 (hg19) VCF-style: chr3-9482291-G-A.
Other names: c.425G>A, p.Ser142Asn (NM_001292043.2, NM_001349451.2); short protein forms S142N, S240N.
Identifiers: ClinVar variation 1679715 (VCV001679715.3), dbSNP rs756127804, ClinGen allele CA2238999.

ClinVar aggregate classification (germline): Uncertain significance. Review status: criteria provided, multiple submitters, no conflicts (2 of 4 stars). 2 submissions from 2 submitters: Uncertain significance (2). Last evaluated 2025-07-14.

Conditions:
Intellectual disability-facial dysmorphism syndrome due to SETD5 haploinsufficiency (MRD23). Also called: Intellectual developmental disorder, autosomal dominant 23. Identifiers: Orphanet 404440, MedGen C3810406, MONDO:0014336, OMIM 615761.

Allele frequency attached by ClinVar (database versions not stated): gnomAD exomes below 0.00001; TOPMed below 0.00001; ExAC 0.00001.
gnomAD v4.1: 3 of 1,613,934 alleles (0.00019%); highest among the groups gnomAD compares: Admixed American, 0.005%; no homozygotes.

Submissions (2):

Labcorp Genetics (formerly Invitae), Labcorp
Classification: Uncertain significance. Last evaluated: 2025-07-14. Review status: criteria provided, single submitter. Criteria: Invitae Variant Classification Sherloc (09022015). Collection method: clinical testing. Allele origin: germline.
Comment: This sequence change replaces serine, which is neutral and polar, with asparagine, which is neutral and polar, at codon 240 of the SETD5 protein (p.Ser240Asn). This variant is present in population databases (rs756127804, gnomAD 0.003%). This variant has not been reported in the literature in individuals affected with SETD5-related conditions. ClinVar contains an entry for this variant (Variation ID: 1679715). An algorithm developed to predict the effect of missense changes on protein structure and function outputs the following: PolyPhen-2: "Benign". The asparagine amino acid residue is found in multiple mammalian species, which suggests that this missense change does not adversely affect protein function. In summary, the available evidence is currently insufficient to determine the role of this variant in disease. Therefore, it has been classified as a Variant of Uncertain Significance.

New York Genome Center
Classification: Uncertain significance for Intellectual disability-facial dysmorphism syndrome due to SETD5 haploinsufficiency. Last evaluated: 2021-07-23. Review status: criteria provided, single submitter. Criteria: NYGC Assertion Criteria 2020. Collection method: clinical testing. Allele origin: inherited. Observed: 1 heterozygote. Study: CSER-NYCKidSeq.